The following is an entry in ClinVar:

ClinVar aggregate classification (germline): Uncertain significance (1 of 4 stars; one submission).

Conditions:
Granulomatous disease, chronic, autosomal recessive, cytochrome b-positive, type 3. Also called: GRANULOMATOUS DISEASE, CHRONIC, DUE TO NCF4 DEFICIENCY; Granulomatous disease, chronic, autosomal recessive, cytochrome b-positive, type III; GRANULOMATOUS DISEASE, CHRONIC, AUTOSOMAL RECESSIVE, 3; CGD, AUTOSOMAL RECESSIVE CYTOCHROME b-POSITIVE, TYPE III. Identifiers: Orphanet 379, MedGen C3151409, MONDO:0013507, OMIM 613960.

Submission:

Labcorp Genetics (formerly Invitae), Labcorp
Classification: Uncertain significance for Granulomatous disease, chronic, autosomal recessive, cytochrome b-positive, type 3. Last evaluated: 2018-05-09. Review status: criteria provided, single submitter. Criteria: Invitae Variant Classification Sherloc (09022015). Collection method: clinical testing. Allele origin: germline.
Comment: This variant is an in-frame deletion of the genomic region encompassing exons 2-5 of the NCF4 gene. It preserves the integrity of the reading frame. This variant has not been reported in the literature in individuals with NCF4-related disease. Experimental studies and prediction algorithms are not available for this variant, and the functional significance of the deleted amino acids is currently unknown. In summary, the available evidence is currently insufficient to determine the role of this variant in disease. Therefore, it has been classified as a Variant of Uncertain Significance.

NC_000022.11:g.(?_36864025)_(36870562_?)del

Genes: NCF4 (neutrophil cytosolic factor 4; plus strand), NCF4-AS1 (NCF4 antisense RNA 1; minus strand). Cytogenetic location: 22q12.3.
Variant type: Deletion.
Identifiers: ClinVar variation 584111 (VCV000584111.8).